The following is an entry in ClinVar:

ClinVar aggregate classification (germline): Uncertain significance (1 of 4 stars; one submission).

Conditions:
Mowat-Wilson syndrome (MOWS). Also called: Classic Mowat-Wilson Syndrome. Identifiers: Orphanet 2152, MedGen C1856113, MONDO:0009341, OMIM 235730.

Allele frequency attached by ClinVar (database versions not stated): gnomAD exomes below 0.00001.
gnomAD v4.1: 1 of 1,614,178 alleles (0.000062%); highest among the groups gnomAD compares: South Asian, 0.0011%; no homozygotes.

Submission:

Labcorp Genetics (formerly Invitae), Labcorp
Classification: Uncertain significance for Mowat-Wilson syndrome. Last evaluated: 2018-01-07. Review status: criteria provided, single submitter. Criteria: Invitae Variant Classification Sherloc (09022015). Collection method: clinical testing. Allele origin: germline.
Comment: This sequence change replaces serine with asparagine at codon 524 of the ZEB2 protein (p.Ser524Asn). The serine residue is highly conserved and there is a small physicochemical difference between serine and asparagine. This variant is not present in population databases (ExAC no frequency). This variant has not been reported in the literature in individuals with ZEB2-related disease. Algorithms developed to predict the effect of missense changes on protein structure and function do not agree on the potential impact of this missense change (SIFT: "Deleterious"; PolyPhen-2: "Possibly Damaging"; Align-GVGD: "Class C0"). In summary, the available evidence is currently insufficient to determine the role of this variant in disease. Therefore, it has been classified as a Variant of Uncertain Significance.

NM_014795.4(ZEB2):c.1571G>A (p.Ser524Asn)

Gene: ZEB2 (zinc finger E-box binding homeobox 2; minus strand). Cytogenetic location: 2q22.3.
Variant type: single nucleotide variant.
Coding change: c.1571G>A on transcript NM_014795.4 (MANE Select); coding-DNA position 1571, G replaced by A.
Protein change: p.Ser524Asn; replaces serine 524 with asparagine.
Molecular consequence: missense variant.
Genome position (GRCh38, 1-based): chr2:144,399,616, C>T on the plus strand (G>A on the coding strand, the complement: ZEB2 is on the minus strand). VCF-style: chr2-144399616-C-T. GRCh37 (hg19) VCF-style: chr2-145157183-C-T.
Other names: c.1499G>A, p.Ser500Asn (NM_001171653.2); short protein forms S524N, S500N.
Identifiers: ClinVar variation 566943 (VCV000566943.8), dbSNP rs1560606972, ClinGen allele CA348710945.